The following is an entry in ClinVar:

ClinVar aggregate classification (germline): Uncertain significance (1 of 4 stars; one submission).

Conditions:
Early-infantile DEE. Also called: Early infantile epileptic encephalopathy; Ohtahara syndrome; Early infantile epileptic encephalopathy with suppression bursts. Identifiers: Orphanet 1934, MedGen C0393706, MONDO:0800491.

Allele frequency attached by ClinVar (database versions not stated): gnomAD exomes below 0.00001.
gnomAD v4.1: 1 of 1,614,244 alleles (0.000062%); highest among the groups gnomAD compares: Non-Finnish European, 0.000085%; no homozygotes.

Submission:

Labcorp Genetics (formerly Invitae), Labcorp
Classification: Uncertain significance for Early-infantile DEE. Last evaluated: 2026-02-02. Review status: criteria provided, single submitter. Criteria: Invitae Variant Classification Sherloc (09022015). Collection method: clinical testing. Allele origin: germline.
Comment: This sequence change replaces valine, which is neutral and non-polar, with leucine, which is neutral and non-polar, at codon 1529 of the SPTAN1 protein (p.Val1529Leu). This variant is not present in population databases (gnomAD no frequency). This variant has not been reported in the literature in individuals affected with SPTAN1-related conditions. ClinVar contains an entry for this variant (Variation ID: 1505156). Invitae Evidence Modeling of protein sequence and biophysical properties (such as structural, functional, and spatial information, amino acid conservation, physicochemical variation, residue mobility, and thermodynamic stability) has been performed for this missense variant. However, the output from this modeling did not meet the statistical confidence thresholds required to predict the impact of this variant on SPTAN1 protein function. In summary, the available evidence is currently insufficient to determine the role of this variant in disease. Therefore, it has been classified as a Variant of Uncertain Significance.

NM_001130438.3(SPTAN1):c.4585G>C (p.Val1529Leu)

Gene: SPTAN1 (spectrin alpha, non-erythrocytic 1; plus strand). Cytogenetic location: 9q34.11.
Variant type: single nucleotide variant.
Coding change: c.4585G>C on transcript NM_001130438.3 (MANE Select); coding-DNA position 4585, G replaced by C.
Protein change: p.Val1529Leu; replaces valine 1529 with leucine.
Molecular consequence: missense variant.
Genome position (GRCh38, 1-based): chr9:128,608,967, G>C. VCF-style: chr9-128608967-G-C. GRCh37 (hg19) VCF-style: chr9-131371246-G-C.
Other names: c.4525G>C, p.Val1509Leu (NM_001195532.2, NM_001363765.2, NM_001375314.2); c.4585G>C, p.Val1529Leu (NM_001363759.2, NM_001375310.1, NM_001375311.2 and 2 more transcripts); c.4621G>C, p.Val1541Leu (NM_001375312.2, NM_001375318.1); short protein forms V1529L, V1509L, V1541L.
Identifiers: ClinVar variation 1505156 (VCV001505156.9), dbSNP rs2131632285, ClinGen allele CA375068508.